The following is an entry in ClinVar:

ClinVar aggregate classification (germline): Pathogenic (1 of 4 stars; one submission).

Conditions:
Congenital glucose-galactose malabsorption (GGM). Also called: MONOSACCHARIDE MALABSORPTION; DIARRHEA 16. Identifiers: Orphanet 35710, MedGen C0268186, MONDO:0011731, OMIM 606824.

Submission:

Labcorp Genetics (formerly Invitae), Labcorp
Classification: Pathogenic for Congenital glucose-galactose malabsorption. Last evaluated: 2025-10-27. Review status: criteria provided, single submitter. Criteria: Invitae Variant Classification Sherloc (09022015). Collection method: clinical testing. Allele origin: germline.
Comment: This sequence change creates a premature translational stop signal (p.Cys522Trpfs*69) in the SLC5A1 gene. While this is not anticipated to result in nonsense mediated decay, it is expected to disrupt the last 143 amino acid(s) of the SLC5A1 protein. This variant is not present in population databases (gnomAD no frequency). This variant has not been reported in the literature in individuals affected with SLC5A1-related conditions. This variant disrupts a region of the SLC5A1 protein in which other variant(s) (p.Arg558His) have been determined to be pathogenic (PMID: 20486940). This suggests that this is a clinically significant region of the protein, and that variants that disrupt it are likely to be disease-causing. For these reasons, this variant has been classified as Pathogenic.

Literature cited by the submitters: PubMed 20486940.

NM_000343.4(SLC5A1):c.1566del (p.Cys522fs)

Gene: SLC5A1 (solute carrier family 5 member 1; plus strand). Cytogenetic location: 22q12.3.
Variant type: Deletion.
Coding change: c.1566del on transcript NM_000343.4 (MANE Select); coding-DNA position 1566, one base deleted (T; older notation c.1566delT).
Protein change: p.Cys522fs; shifts the reading frame from cysteine 522.
Molecular consequence: frameshift variant.
Genome position (GRCh38, 1-based): chr22:32,102,138, T deleted. VCF-style (leftmost placement, unchanged base first): chr22-32102137-GT-G. GRCh37 (hg19) VCF-style: chr22-32498124-GT-G.
Other names: c.1185del, p.Cys395fs (NM_001256314.2); short protein forms C522fs, C395fs.
Identifiers: ClinVar variation 4730057 (VCV004730057.1).